The following is an entry in ClinVar:

NM_001077653.2(TBX20):c.833_836del (p.Asp278fs)

Gene: TBX20 (T-box transcription factor 20; minus strand). Cytogenetic location: 7p14.2.
Variant type: Microsatellite.
Coding change: c.833_836del on transcript NM_001077653.2 (MANE Select); coding-DNA positions 833 to 836, 4 bases deleted (ATAG; older notation c.833_836delATAG).
Protein change: p.Asp278fs; shifts the reading frame from aspartic acid 278.
Molecular consequence: frameshift variant.
Genome position (GRCh38, 1-based): chr7:35,231,558-35,231,561, CTAT deleted on the plus strand (ATAG on the coding strand, the reverse complement: TBX20 is on the minus strand); deleting any 4 consecutive bases within chr7:35,231,558-35,231,565 gives the same sequence; the c. name uses the placement nearest the transcript's 3' end. VCF-style (leftmost placement, unchanged base first): chr7-35231557-GCTAT-G. GRCh37 (hg19) VCF-style: chr7-35271169-GCTAT-G.
Other names: c.833_836del, p.Asp278fs (NM_001166220.1); short protein forms D278fs.
Identifiers: ClinVar variation 4532066 (VCV004532066.1).

ClinVar aggregate classification (germline): Pathogenic (1 of 4 stars; one submission).

Conditions:
Primary dilated cardiomyopathy (DCM). Also called: Dilated Cardiomyopathy. Identifiers: Orphanet 217604, MedGen C0007193, MeSH D002311, MONDO:0005021, HP:0001644. Inheritance: Various modes of inheritance.

Submission:

Victorian Clinical Genetics Services, Murdoch Childrens Research Institute
Classification: Pathogenic for Primary dilated cardiomyopathy. Last evaluated: 2025-10-08. Review status: criteria provided, single submitter. Criteria: ACMG Guidelines, 2015. Collection method: clinical testing. Allele origin: germline. Affected: yes.
Comment: This variant is classified as Pathogenic. Evidence in support of pathogenic classification: Variant is predicted to cause nonsense-mediated decay (NMD) and loss of protein (premature termination codon is located at least 54 nucleotides upstream of the final exon-exon junction); Variant is absent from gnomAD (v2, v3 and v4); Other NMD-predicted variants comparable to the one identified in this case have very strong previous evidence for pathogenicity (DECIPHER). Additional information: This variant is heterozygous; This gene is associated with autosomal dominant disease; This variant has no previous evidence of pathogenicity; No published evidence of segregation with disease has been identified for this variant; No published functional evidence has been identified for this variant; Loss of function and gain of function are known mechanisms of disease in this gene and are associated with atrial septal defect 4 (MIM#611363) and dilated cardiomyopathy (MONDO:0005021), TBX20-related. Loss of function is associated with null and missense variants while gain of function has been reported for missense variants (PMIDs: 27642787, 19762328); Inheritance information for this variant is not currently available in this individual.

Literature cited by the submitters: PubMed 19762328; PubMed 27642787.